The following is an entry in ClinVar:

NM_001134363.3(RBM20):c.1027C>T (p.His343Tyr)

Gene: RBM20 (RNA binding motif protein 20; plus strand). Cytogenetic location: 10q25.2.
Variant type: single nucleotide variant.
Coding change: c.1027C>T on transcript NM_001134363.3 (MANE Select); coding-DNA position 1027, C replaced by T.
Protein change: p.His343Tyr; replaces histidine 343 with tyrosine.
Molecular consequence: missense variant.
Genome position (GRCh38, 1-based): chr10:110,781,636, C>T. VCF-style: chr10-110781636-C-T. GRCh37 (hg19) VCF-style: chr10-112541394-C-T.
Other names: short protein forms H343Y.
Identifiers: ClinVar variation 43963 (VCV000043963.46), dbSNP rs112226602, ClinGen allele CA133245.
Genomic context (GRCh38, chr10:110,781,636, plus strand): 5'-CATGGATTCTCGGGCCAAAGCAAGCCTGATCTCACAGCAGGTCCCATGTGGCCTCCACCC[C>T]ACAACCAGCCCTATGAGCTGTACGACCCCGAGGAACCAACCTCAGACAGGACACCTCCTT-3'
Protein context (NP_001127835.2, residues 333-353): LTAGPMWPPP[His343Tyr]NQPYELYDPE

ClinVar aggregate classification (germline): Conflicting classifications of pathogenicity. Review status: criteria provided, conflicting classifications (1 of 4 stars). 11 submissions from 11 submitters: Uncertain significance (1); Benign (1); Likely benign (7). 2 of the submissions do not count toward it. Last evaluated 2026-03-27.

Conditions:
Cardiovascular phenotype. Identifiers: MedGen CN230736.
Dilated cardiomyopathy 1DD (CMD1DD). Identifiers: Orphanet 154, MedGen C2750995, MONDO:0013168, OMIM 613172.

Allele frequency attached by ClinVar (database versions not stated): gnomAD exomes 0.00012; TOPMed 0.00013; ExAC 0.00029.
gnomAD v4.1: 148 of 1,549,528 alleles (0.0096%); highest among the groups gnomAD compares: Middle Eastern, 0.067%; no homozygotes.

Submissions (11):

Molecular Diagnostic Laboratory for Inherited Cardiovascular Disease, Montreal Heart Institute
Classification: Likely benign. Last evaluated: 2026-03-27. Review status: criteria provided, single submitter. Criteria: ACMG Guidelines, 2015. Collection method: clinical testing. Allele origin: germline. Affected: no.
Comment: BS1, BP4

Labcorp Genetics (formerly Invitae), Labcorp
Classification: Likely benign for Dilated cardiomyopathy 1DD. Last evaluated: 2026-01-19. Review status: criteria provided, single submitter. Criteria: Invitae Variant Classification Sherloc (09022015). Collection method: clinical testing. Allele origin: germline.

Ambry Genetics
Classification: Likely benign for Cardiovascular phenotype. Last evaluated: 2025-10-29. Review status: criteria provided, single submitter. Criteria: Ambry Variant Classification Scheme 2023. Collection method: clinical testing. Allele origin: germline.

ARUP Laboratories, Molecular Genetics and Genomics, ARUP Laboratories
Classification: Likely benign for Dilated cardiomyopathy 1DD. Last evaluated: 2025-06-02. Review status: criteria provided, single submitter. Criteria: ARUP Molecular Germline Variant Investigation Process 2024. Collection method: clinical testing. Allele origin: germline.

Women's Health and Genetics/Laboratory Corporation of America, LabCorp
Classification: Likely benign. Last evaluated: 2025-03-14. Review status: criteria provided, single submitter. Criteria: LabCorp Variant Classification Summary - May 2015. Collection method: clinical testing. Allele origin: germline.
Comment: Variant summary: RBM20 c.1027C>T (p.His343Tyr) results in a conservative amino acid change in the encoded protein sequence. Five of five in-silico tools predict a benign effect of the variant on protein function. The variant allele was found at a frequency of 0.00012 in 154822 control chromosomes. The observed variant frequency is approximately 3 fold of the estimated maximal expected allele frequency for a pathogenic variant in RBM20 causing Dilated Cardiomyopathy phenotype (4.7e-05). To our knowledge, no occurrence of c.1027C>T in individuals affected with Dilated Cardiomyopathy and no experimental evidence demonstrating its impact on protein function have been reported. ClinVar contains an entry for this variant (Variation ID: 43963). Based on the evidence outlined above, the variant was classified as likely benign.

Laboratory of Genetics, Children's Clinical University Hospital Latvia
Classification: Benign. Last evaluated: 2025-02-16. Review status: criteria provided, single submitter. Criteria: ACMG Guidelines, 2015. Collection method: clinical testing. Allele origin: germline. Affected: yes.

Blueprint Genetics
Classification: Likely benign. Last evaluated: 2024-10-18. Review status: criteria provided, single submitter. Criteria: ACMG Guidelines, 2015. Collection method: clinical testing. Allele origin: germline.

GeneDx
Classification: Uncertain significance. Last evaluated: 2022-10-25. Review status: criteria provided, single submitter. Criteria: GeneDx Variant Classification Process June 2021. Collection method: clinical testing. Allele origin: germline. Affected: yes.
Comment: Identified in a patient with HCM in published literature (Lopes et al., 2015); In silico analysis, which includes protein predictors and evolutionary conservation, supports that this variant does not alter protein structure/function; This variant is associated with the following publications: (PMID: 25351510)

Laboratory for Molecular Medicine, Mass General Brigham Personalized Medicine
Classification: Likely benign. Last evaluated: 2020-04-02. Review status: criteria provided, single submitter. Criteria: LMM Criteria. Collection method: clinical testing. Allele origin: germline. Observed: 1 variant allele.
Comment: The p.His343Tyr variant in RBM20 is classified as likely benign because it has been identified in 0.05% (12/22652) of South Asian chromosomes by gnomAD, and computational prediction tools and conservation analyses suggest that this variant may not impact the protein. ACMG/AMP Criteria applied: BS1, BP4.

Clinical Genetics, Academic Medical Center
Classification: Likely benign. Review status: no assertion criteria provided. Collection method: clinical testing. Allele origin: germline. Affected: yes. Study: VKGL Data-share Consensus. Not counted in ClinVar's aggregate classification.

Joint Genome Diagnostic Labs from Nijmegen and Maastricht, Radboudumc and MUMC+
Classification: Likely benign. Review status: no assertion criteria provided. Collection method: clinical testing. Allele origin: germline. Affected: yes. Study: VKGL Data-share Consensus. Not counted in ClinVar's aggregate classification.

Literature cited by the submitters: PubMed 25351510 (cited by Ambry Genetics).